The following is an entry in ClinVar:

ClinVar aggregate classification (germline): Pathogenic (1 of 4 stars; one submission).

Conditions:
Junctional epidermolysis bullosa. Identifiers: Orphanet 305, MedGen C0079301, MONDO:0017612.

Submission:

Myriad Genetics, Inc.
Classification: Pathogenic for Junctional epidermolysis bullosa. Last evaluated: 2026-01-16. Review status: criteria provided, single submitter. Criteria: Myriad Autosomal Dominant, Autosomal Recessive and X-Linked Classification Criteria (2023). Collection method: clinical testing. Allele origin: unknown.
Comment: NM_000227.3(LAMA3):c.1603_1613dup11(L540Tfs*63) is a frameshift variant classified as pathogenic in the context of junctional epidermolysis bullosa, LAMA3-related. L540Tfs*63 has not been observed in cases with relevant disease. Relevant functional assessments of this variant are not available in the literature. L540Tfs*63 has not been observed in referenced population frequency databases. In summary, NM_000227.3(LAMA3):c.1603_1613dup11(L540Tfs*63) is a frameshift variant in a gene where loss of function is a known mechanism of disease and is predicted to disrupt protein function. Please note: this variant was assessed in the context of healthy population screening.

NM_198129.4(LAMA3):c.6430_6440dup (p.Leu2149fs)

Gene: LAMA3 (laminin subunit alpha 3; plus strand). Cytogenetic location: 18q11.2.
Variant type: Duplication.
Coding change: c.6430_6440dup on transcript NM_198129.4 (MANE Select); coding-DNA positions 6430 to 6440, 11 bases duplicated (AAGCACGCGCG).
Protein change: p.Leu2149fs; shifts the reading frame from leucine 2149.
Molecular consequence: frameshift variant.
Genome position (GRCh38, 1-based): chr18:23,904,044-23,904,054, AAGCACGCGCG duplicated. VCF-style (leftmost placement, unchanged base first): chr18-23904043-A-AAAGCACGCGCG. GRCh37 (hg19) VCF-style: chr18-21484007-A-AAAGCACGCGCG.
Other names: c.1603_1613dup, p.Leu540fs (NM_000227.6); c.6262_6272dup, p.Leu2093fs (NM_001127717.4); c.1435_1445dup, p.Leu484fs (NM_001127718.4); short protein forms L484fs, L2093fs, L2149fs, L540fs.
Identifiers: ClinVar variation 5004397 (VCV005004397.1).